The following is an entry in ClinVar:

ClinVar aggregate classification (germline): Conflicting classifications of pathogenicity. Review status: criteria provided, conflicting classifications (1 of 4 stars). 5 submissions from 5 submitters: Uncertain significance (4); Likely benign (1). Last evaluated 2026-01-07.

Conditions:
Cardiovascular phenotype. Identifiers: MedGen CN230736.
Duchenne muscular dystrophy (DMD). Also called: MUSCULAR DYSTROPHY, PSEUDOHYPERTROPHIC PROGRESSIVE, DUCHENNE TYPE; Duchenne Muscular Dystrophy (DMD). Identifiers: Orphanet 98896, MedGen C0013264, MONDO:0010679, OMIM 310200.

Allele frequency attached by ClinVar (database versions not stated): ExAC 0.00001; gnomAD exomes 0.00001 and 0.00003.
gnomAD v4.1: 14 of 1,211,165 alleles (0.0012%); highest among the groups gnomAD compares: Non-Finnish European, 0.00067%; no homozygotes.

Submissions (5):

Labcorp Genetics (formerly Invitae), Labcorp
Classification: Likely benign for Duchenne muscular dystrophy. Last evaluated: 2026-01-07. Review status: criteria provided, single submitter. Criteria: Invitae Variant Classification Sherloc (09022015). Collection method: clinical testing. Allele origin: germline.

Blueprint Genetics
Classification: Uncertain significance. Last evaluated: 2021-01-11. Review status: criteria provided, single submitter. Criteria: ACMG Guidelines, 2015. Collection method: clinical testing. Allele origin: germline.

Ambry Genetics
Classification: Uncertain significance for Cardiovascular phenotype. Last evaluated: 2019-03-30. Review status: criteria provided, single submitter. Criteria: Ambry Variant Classification Scheme 2023. Collection method: clinical testing. Allele origin: germline.
Comment: The p.A1010P variant (also known as c.3028G>C), located in coding exon 23 of the DMD gene, results from a G to C substitution at nucleotide position 3028. The alanine at codon 1010 is replaced by proline, an amino acid with highly similar properties. This amino acid position is highly conserved in available vertebrate species. In addition, the in silico prediction for this alteration is inconclusive. Since supporting evidence is limited at this time, the clinical significance of this alteration remains unclear.

Stanford Center for Inherited Cardiovascular Disease, Stanford University
Classification: Uncertain significance. Last evaluated: 2015-06-16. Review status: criteria provided, single submitter. Criteria: ACMG Guidelines, 2015. Collection method: provider interpretation. Allele origin: germline.

GeneDx
Classification: Uncertain significance. Last evaluated: 2014-07-03. Review status: criteria provided, single submitter. Criteria: GeneDx Variant Classification (06012015). Collection method: clinical testing. Allele origin: germline. Affected: yes.
Comment: p.Ala1010Pro (GCG>CCG): c.3028 G>C in exon 23 of the DMD gene (NM_004006.2). A variant of unknown significance has been identified in the DMD gene. The A1010P variant has not been published as a mutation, nor has it been reported as a benign polymorphism to our knowledge. The A1010P variant was not observed in approximately 6,500 individuals of European and African American ancestry in the NHLBI Exome Sequencing Project, indicating it is not a common benign variant in these populations. The A1010P variant is a semi-conservative amino acid substitution, which may impact secondary protein structure as these residues differ in some properties. This substitution occurs at a position that is conserved across species. In silico analysis is inconsistent in its predictions as to whether or not the variant is damaging to the protein structure/function, but overall suggests that this is a damaging variant. Howver, no missense mutations in nearby residues have been reported in association with DMD, indicating that this region of the protein may be tolerant of change. Therefore, based on the currently available information, it is unclear whether this variant is a pathogenic mutation or a rare benign variant. The variant is found in CARDIOMYOPATHY panel(s).

NM_004006.3(DMD):c.3028G>C (p.Ala1010Pro)

Gene: DMD (dystrophin; minus strand). Cytogenetic location: Xp21.1.
Variant type: single nucleotide variant.
Coding change: c.3028G>C on transcript NM_004006.3 (MANE Select); coding-DNA position 3028, G replaced by C.
Protein change: p.Ala1010Pro; replaces alanine 1010 with proline.
Molecular consequence: missense variant.
Genome position (GRCh38, 1-based): chrX:32,468,632, C>G on the plus strand (G>C on the coding strand, the complement: DMD is on the minus strand). VCF-style: chrX-32468632-C-G. GRCh37 (hg19) VCF-style: chrX-32486749-C-G.
Other names: p.A1010P:GCG>CCG; c.3004G>C, p.Ala1002Pro (NM_000109.4); c.3016G>C, p.Ala1006Pro (NM_004009.3); c.2659G>C, p.Ala887Pro (NM_004010.3); short protein forms A1010P, A1002P, A887P, A1006P.
Identifiers: ClinVar variation 201746 (VCV000201746.15), dbSNP rs766325631, ClinGen allele CA308385.
Genomic context (GRCh38, chrX:32,468,632, plus strand): 5'-TCCAGCGTCCCTCAATTTCTTCAAATTCTGATTGATATTTCCGGCTAATTTCAGAGGGCG[C>G]TTTCTTCGACATCTCTTTCACAGTGGTGCTGAGATAGTATAGGCCACTTTGTTGCTCTTG-3'
Protein context (NP_003997.2, residues 1000-1020): STTVKEMSKK[Ala1010Pro]PSEISRKYQS